The following is an entry in ClinVar:

ClinVar aggregate classification (germline): Uncertain significance. Review status: criteria provided, multiple submitters, no conflicts (2 of 4 stars). 2 submissions from 2 submitters: Uncertain significance (2). Last evaluated 2025-10-28.

Allele frequency attached by ClinVar (database versions not stated): ExAC 0.00001; gnomAD 0.00001; TOPMed 0.00001.

Submissions (2):

Ambry Genetics
Classification: Uncertain significance. Last evaluated: 2025-10-28. Review status: criteria provided, single submitter. Criteria: Ambry Variant Classification Scheme 2023. Collection method: clinical testing. Allele origin: germline.

Labcorp Genetics (formerly Invitae), Labcorp
Classification: Uncertain significance. Last evaluated: 2024-10-16. Review status: criteria provided, single submitter. Criteria: Invitae Variant Classification Sherloc (09022015). Collection method: clinical testing. Allele origin: germline.
Comment: This sequence change replaces isoleucine, which is neutral and non-polar, with methionine, which is neutral and non-polar, at codon 56 of the MSMO1 protein (p.Ile56Met). This variant is present in population databases (rs772795286, gnomAD 0.003%). This variant has not been reported in the literature in individuals affected with MSMO1-related conditions. ClinVar contains an entry for this variant (Variation ID: 1956304). An algorithm developed to predict the effect of missense changes on protein structure and function outputs the following: PolyPhen-2: "Benign". The methionine amino acid residue is found in multiple mammalian species, which suggests that this missense change does not adversely affect protein function. In summary, the available evidence is currently insufficient to determine the role of this variant in disease. Therefore, it has been classified as a Variant of Uncertain Significance.

NM_006745.5(MSMO1):c.168A>G (p.Ile56Met)

Gene: MSMO1 (methylsterol monooxygenase 1; plus strand). Cytogenetic location: 4q32.3.
Variant type: single nucleotide variant.
Coding change: c.168A>G on transcript NM_006745.5 (MANE Select); coding-DNA position 168, A replaced by G.
Protein change: p.Ile56Met; replaces isoleucine 56 with methionine.
Molecular consequence: missense variant. On other transcripts: intron variant (1).
Genome position (GRCh38, 1-based): chr4:165,333,538, A>G. VCF-style: chr4-165333538-A-G. GRCh37 (hg19) VCF-style: chr4-166254690-A-G.
Other names: c.168A>G (NM_006745.4); c.-138-4251A>G (NM_001017369.3); short protein forms I56M.
Identifiers: ClinVar variation 1956304 (VCV001956304.6), dbSNP rs772795286, ClinGen allele CA3129917.